The following is an entry in ClinVar:

NM_004984.4(KIF5A):c.1355A>G (p.Gln452Arg)

Gene: KIF5A (kinesin family member 5A; plus strand). Cytogenetic location: 12q13.3.
Variant type: single nucleotide variant.
Coding change: c.1355A>G on transcript NM_004984.4 (MANE Select); coding-DNA position 1355, A replaced by G.
Protein change: p.Gln452Arg; replaces glutamine 452 with arginine.
Molecular consequence: missense variant.
Genome position (GRCh38, 1-based): chr12:57,571,382, A>G. VCF-style: chr12-57571382-A-G. GRCh37 (hg19) VCF-style: chr12-57965165-A-G.
Other names: c.1088A>G, p.Gln363Arg (NM_001354705.2); short protein forms Q363R, Q452R.
Identifiers: ClinVar variation 3362320 (VCV003362320.3).

ClinVar aggregate classification (germline): Uncertain significance (1 of 4 stars; one submission).

Conditions:
Myoclonus, intractable, neonatal (NEIMY). Identifiers: MedGen C4310658, MONDO:0014979, OMIM 617235.

gnomAD v4.1: 4 of 1,613,696 alleles (0.00025%); highest among the groups gnomAD compares: South Asian, 0.0011%; no homozygotes.

Submission:

Neuberg Centre For Genomic Medicine, NCGM
Classification: Uncertain significance for Myoclonus, intractable, neonatal. Last evaluated: 2023-06-02. Review status: criteria provided, single submitter. Criteria: ACMG Guidelines, 2015. Collection method: clinical testing. Allele origin: germline. Inheritance: Autosomal dominant inheritance. Affected: yes.
Comment: The observed missense c.1355A>G(p.Gln452Arg) variant in KIF5A gene has not been reported previously as a pathogenic variant nor as a benign variant, to our knowledge. This variant is absent in gnomAD Exomes. The amino acid Gln at position 452 is changed to a Arg changing protein sequence and it might alter its composition and physico-chemical properties. The amino acid change p.Gln452Arg in KIF5A is predicted as conserved by GERP++ and PhyloP across 100 vertebrates. Computational evidence (Polyphen - Damaging, SIFT - Tolerated, and MutationTaster - Disease causing) predicts conflicting evidence on protein structure and function for this variant. For these reasons, this variant has been classified as Uncertain Significance.